The following is an entry in ClinVar:

ClinVar aggregate classification (germline): Pathogenic (1 of 4 stars; one submission).

Conditions:
Arrhythmogenic cardiomyopathy with wooly hair and keratoderma. Also called: Arrhythmogenic cardiomyopathy with woolly hair and keratoderma; PALMOPLANTAR KERATODERMA WITH LEFT VENTRICULAR CARDIOMYOPATHY AND WOOLLY HAIR; Dilated cardiomyopathy with woolly hair and keratoderma; Carvajal syndrome. Identifiers: Orphanet 65282, MedGen C1854063, MONDO:0011581, OMIM 605676.
Arrhythmogenic right ventricular dysplasia 8 (ARVD8). Also called: Arrhythmogenic Right Ventricular Dysplasia/Cardiomyopathy 8; ARRHYTHMOGENIC RIGHT VENTRICULAR CARDIOMYOPATHY 8; ARRHYTHMOGENIC RIGHT VENTRICULAR DYSPLASIA, FAMILIAL, 8. Identifiers: MedGen C1843896, MONDO:0011831, OMIM 607450.

Submission:

Labcorp Genetics (formerly Invitae), Labcorp
Classification: Pathogenic for Arrhythmogenic cardiomyopathy with wooly hair and keratoderma; Arrhythmogenic right ventricular dysplasia 8. Last evaluated: 2024-01-22. Review status: criteria provided, single submitter. Criteria: Invitae Variant Classification Sherloc (09022015). Collection method: clinical testing. Allele origin: germline.
Comment: This sequence change creates a premature translational stop signal (p.Glu2626Lysfs*17) in the DSP gene. While this is not anticipated to result in nonsense mediated decay, it is expected to disrupt the last 246 amino acid(s) of the DSP protein. This variant is not present in population databases (gnomAD no frequency). This variant has not been reported in the literature in individuals affected with DSP-related conditions. ClinVar contains an entry for this variant (Variation ID: 2089207). This variant disrupts a region of the DSP protein in which other variant(s) (p.Glu2728Glyfs*11) have been determined to be pathogenic (Invitae). This suggests that this is a clinically significant region of the protein, and that variants that disrupt it are likely to be disease-causing. For these reasons, this variant has been classified as Pathogenic.

NM_004415.4(DSP):c.7876_7877del (p.Glu2626fs)

Gene: DSP (desmoplakin; plus strand). Cytogenetic location: 6p24.3.
Variant type: Deletion.
Coding change: c.7876_7877del on transcript NM_004415.4 (MANE Select); coding-DNA positions 7876 to 7877, 2 bases deleted (GA; older notation c.7876_7877delGA).
Protein change: p.Glu2626fs; shifts the reading frame from glutamic acid 2626.
Molecular consequence: frameshift variant.
Genome position (GRCh38, 1-based): chr6:7,585,138-7,585,139, GA deleted; deleting any 2 consecutive bases within chr6:7,585,137-7,585,139 gives the same sequence; the c. name uses the placement nearest the transcript's 3' end. VCF-style (leftmost placement, unchanged base first): chr6-7585136-CAG-C. GRCh37 (hg19) VCF-style: chr6-7585369-CAG-C.
Other names: c.6079_6080del, p.Glu2027fs (NM_001008844.3); c.6547_6548del, p.Glu2183fs (NM_001319034.2); short protein forms E2626fs, E2027fs, E2183fs.
Identifiers: ClinVar variation 2089207 (VCV002089207.4), dbSNP rs2533948349, ClinGen allele CA2580075387.